The following is an entry in ClinVar:

ClinVar aggregate classification (germline): Uncertain significance. Review status: criteria provided, multiple submitters, no conflicts (2 of 4 stars). 2 submissions from 2 submitters: Uncertain significance (2). Last evaluated 2025-11-04.

Conditions:
Amyotrophic lateral sclerosis type 1 (ALS1). Also called: AMYOTROPHIC LATERAL SCLEROSIS 1, FAMILIAL. Identifiers: Orphanet 803, MedGen C1862939, MONDO:0007103, OMIM 105400.
Perry syndrome. Also called: PARKINSONISM WITH ALVEOLAR HYPOVENTILATION AND MENTAL DEPRESSION. Identifiers: Orphanet 178509, MedGen C1868594, MONDO:0008201, OMIM 168605.
Neuronopathy, distal hereditary motor, type 7B. Also called: Distal Hereditary Motor Neuronopathy Type 7B (dHMN7B); HMN VIIB; LOWER MOTOR NEURON DISEASE, DYNACTIN TYPE; NEURONOPATHY, DISTAL HEREDITARY MOTOR, AUTOSOMAL DOMINANT 14; NEURONOPATHY, DISTAL HEREDITARY MOTOR, HARDING TYPE VIIB; NEUROPATHY, DISTAL HEREDITARY MOTOR, HARDING TYPE VIIB. Identifiers: Orphanet 139589, MedGen C1843315, MONDO:0011879, OMIM 607641.

Allele frequency attached by ClinVar (database versions not stated): ExAC 0.00001; gnomAD 0.00001; gnomAD exomes 0.00001; TOPMed 0.00002.

Submissions (2):

Women's Health and Genetics/Laboratory Corporation of America, LabCorp
Classification: Uncertain significance. Last evaluated: 2025-11-04. Review status: criteria provided, single submitter. Criteria: LabCorp Variant Classification Summary - May 2015. Collection method: clinical testing. Allele origin: germline.
Comment: Variant summary: DCTN1 c.2668C>T (p.Arg890Cys) results in a non-conservative amino acid change in the encoded protein sequence. Algorithms developed to predict the effect of missense changes on protein structure and function all suggest that this variant is likely to be disruptive. The variant allele was found at a frequency of 1.2e-05 in 251470 control chromosomes. The available data on variant occurrences in the general population are insufficient to allow any conclusion about variant significance. To our knowledge, no occurrence of c.2668C>T in individuals affected with DCTN1-related conditions and no experimental evidence demonstrating its impact on protein function have been reported. ClinVar contains an entry for this variant (Variation ID: 965410). Based on the evidence outlined above, the variant was classified as uncertain significance.

Labcorp Genetics (formerly Invitae), Labcorp
Classification: Uncertain significance for Amyotrophic lateral sclerosis type 1; Neuronopathy, distal hereditary motor, type 7B; Perry syndrome. Last evaluated: 2023-10-22. Review status: criteria provided, single submitter. Criteria: Invitae Variant Classification Sherloc (09022015). Collection method: clinical testing. Allele origin: germline.
Comment: This sequence change replaces arginine, which is basic and polar, with cysteine, which is neutral and slightly polar, at codon 890 of the DCTN1 protein (p.Arg890Cys). This variant is present in population databases (rs767379191, gnomAD 0.003%). This variant has not been reported in the literature in individuals affected with DCTN1-related conditions. ClinVar contains an entry for this variant (Variation ID: 965410). Advanced modeling of protein sequence and biophysical properties (such as structural, functional, and spatial information, amino acid conservation, physicochemical variation, residue mobility, and thermodynamic stability) performed at Invitae indicates that this missense variant is expected to disrupt DCTN1 protein function. In summary, the available evidence is currently insufficient to determine the role of this variant in disease. Therefore, it has been classified as a Variant of Uncertain Significance.

NM_004082.5(DCTN1):c.2668C>T (p.Arg890Cys)

Gene: DCTN1 (dynactin subunit 1; minus strand). Cytogenetic location: 2p13.1.
Variant type: single nucleotide variant.
Coding change: c.2668C>T on transcript NM_004082.5 (MANE Select); coding-DNA position 2668, C replaced by T.
Protein change: p.Arg890Cys; replaces arginine 890 with cysteine.
Molecular consequence: missense variant. On other transcripts: non-coding transcript variant (1).
Genome position (GRCh38, 1-based): chr2:74,366,336, G>A on the plus strand (C>T on the coding strand, the complement: DCTN1 is on the minus strand). VCF-style: chr2-74366336-G-A. GRCh37 (hg19) VCF-style: chr2-74593463-G-A.
Other names: c.2608C>T, p.Arg870Cys (NM_001135040.3); c.2266C>T, p.Arg756Cys (NM_001135041.3, NM_023019.4); c.2557C>T, p.Arg853Cys (NM_001190836.2); c.2647C>T, p.Arg883Cys (NM_001190837.2); c.2617C>T, p.Arg873Cys (NM_001378991.1); c.2599C>T, p.Arg867Cys (NM_001378992.1); short protein forms R756C, R883C, R870C, R873C, R853C, R867C, R890C.
Identifiers: ClinVar variation 965410 (VCV000965410.11), dbSNP rs767379191, ClinGen allele CA1721771.